The following is an entry in ClinVar:

NM_015213.4(DENND5A):c.2983G>A (p.Val995Met)

Gene: DENND5A (DENN domain containing 5A; minus strand). Cytogenetic location: 11p15.4.
Variant type: single nucleotide variant.
Coding change: c.2983G>A on transcript NM_015213.4 (MANE Select); coding-DNA position 2983, G replaced by A.
Protein change: p.Val995Met; replaces valine 995 with methionine.
Molecular consequence: missense variant. On other transcripts: non-coding transcript variant (1).
Genome position (GRCh38, 1-based): chr11:9,145,690, C>T on the plus strand (G>A on the coding strand, the complement: DENND5A is on the minus strand). VCF-style: chr11-9145690-C-T. GRCh37 (hg19) VCF-style: chr11-9167237-C-T.
Other names: c.2983G>A, p.Val995Met (NM_001243254.2, NM_001348748.1); c.2911G>A, p.Val971Met (NM_001348749.2); c.2695G>A, p.Val899Met (NM_001348750.2); c.2983G>A (NM_015213.3); short protein forms V971M, V899M, V995M.
Identifiers: ClinVar variation 1995932 (VCV001995932.2), dbSNP rs749619585, ClinGen allele CA5877177.

ClinVar aggregate classification (germline): Uncertain significance. Review status: criteria provided, multiple submitters, no conflicts (2 of 4 stars). 2 submissions from 2 submitters: Uncertain significance (2). Last evaluated 2024-03-01.

Conditions:
Inborn genetic diseases. Identifiers: MedGen C0950123, MeSH D030342.

Allele frequency attached by ClinVar (database versions not stated): gnomAD exomes below 0.00001; gnomAD 0.00001; TOPMed 0.00001; ExAC 0.00002.
gnomAD v4.1: 3 of 1,614,090 alleles (0.00019%); highest among the groups gnomAD compares: East Asian, 0.0067%; no homozygotes.

Submissions (2):

Ambry Genetics
Classification: Uncertain significance for Inborn genetic diseases. Last evaluated: 2024-03-01. Review status: criteria provided, single submitter. Criteria: Ambry Variant Classification Scheme 2023. Collection method: clinical testing. Allele origin: germline.

Labcorp Genetics (formerly Invitae), Labcorp
Classification: Uncertain significance. Last evaluated: 2022-09-01. Review status: criteria provided, single submitter. Criteria: Invitae Variant Classification Sherloc (09022015). Collection method: clinical testing. Allele origin: germline.
Comment: This sequence change replaces valine, which is neutral and non-polar, with methionine, which is neutral and non-polar, at codon 995 of the DENND5A protein (p.Val995Met). This variant is present in population databases (rs749619585, gnomAD 0.03%). This variant has not been reported in the literature in individuals affected with DENND5A-related conditions. Algorithms developed to predict the effect of missense changes on protein structure and function output the following: SIFT: "Tolerated"; PolyPhen-2: "Benign"; Align-GVGD: "Class C0". The methionine amino acid residue is found in multiple mammalian species, which suggests that this missense change does not adversely affect protein function. In summary, the available evidence is currently insufficient to determine the role of this variant in disease. Therefore, it has been classified as a Variant of Uncertain Significance.